The following is an entry in ClinVar:

NM_003486.7(SLC7A5):c.1141-4C>A

Genes: SLC7A5 (solute carrier family 7 member 5; minus strand), SLC7A5-AS1 (SLC7A5 antisense RNA 1; plus strand). Cytogenetic location: 16q24.2.
Variant type: single nucleotide variant.
Coding change: c.1141-4C>A on transcript NM_003486.7 (MANE Select); 4 bases into the intron before coding-DNA position 1141, C replaced by A.
Molecular consequence: intron variant.
Genome position (GRCh38, 1-based): chr16:87,836,651, G>T on the plus strand (C>A on the coding strand, the complement: SLC7A5 is on the minus strand). VCF-style: chr16-87836651-G-T. GRCh37 (hg19) VCF-style: chr16-87870257-G-T.
Identifiers: ClinVar variation 3050193 (VCV003050193.2), dbSNP rs986514243, ClinGen allele CA496896703.

ClinVar aggregate classification (germline): Likely benign (0 of 4 stars; one submission).

Conditions:
SLC7A5-related disorder. Also called: SLC7A5-related condition.

Allele frequency attached by ClinVar (database versions not stated): gnomAD exomes below 0.00001.
gnomAD v4.1: 2 of 1,611,898 alleles (0.00012%); highest among the groups gnomAD compares: Admixed American, 0.0017%; no homozygotes.

Submission:

PreventionGenetics, part of Exact Sciences
Classification: Likely benign for SLC7A5-related condition. Last evaluated: 2019-07-10. Review status: no assertion criteria provided. Collection method: clinical testing. Allele origin: germline.
Comment: This variant is classified as likely benign based on ACMG/AMP sequence variant interpretation guidelines (Richards et al. 2015 PMID: 25741868, with internal and published modifications).